The following is an entry in ClinVar:

NM_001034116.2(EIF2B4):c.1412T>A (p.Val471Asp)

Genes: GTF3C2-AS2 (GTF3C2 antisense RNA 2; plus strand), EIF2B4 (eukaryotic translation initiation factor 2B subunit delta; minus strand). Cytogenetic location: 2p23.3.
Variant type: single nucleotide variant.
Coding change: c.1412T>A on transcript NM_001034116.2 (MANE Select); coding-DNA position 1412, T replaced by A.
Protein change: p.Val471Asp; replaces valine 471 with aspartic acid.
Molecular consequence: missense variant.
Genome position (GRCh38, 1-based): chr2:27,364,560, A>T on the plus strand (T>A on the coding strand, the complement: EIF2B4 is on the minus strand). VCF-style: chr2-27364560-A-T. GRCh37 (hg19) VCF-style: chr2-27587427-A-T.
Other names: c.1475T>A, p.Val492Asp (NM_001318965.2); c.1367T>A, p.Val456Asp (NM_001318966.2); c.1319T>A, p.Val440Asp (NM_001318967.2); c.827T>A, p.Val276Asp (NM_001318968.2); c.794T>A, p.Val265Asp (NM_001318969.2); c.1409T>A, p.Val470Asp (NM_015636.4); c.1472T>A, p.Val491Asp (NM_172195.4); c.1409T>A (NM_015636.3); short protein forms V456D, V276D, V440D, V471D, V492D, V265D, V470D, V491D.
Identifiers: ClinVar variation 1978854 (VCV001978854.2), dbSNP rs749983780, ClinGen allele CA1576575.
Genomic context (GRCh38, chr2:27,364,560, plus strand): 5'-ACATCATAGACTAGATTCAACAACCGTAGGGATGCGTGGTTCTGCCAGTTAGCCAGCGCA[A>T]CATGTTCTCCCCGCTTACATTGCAGATCATCAGGGTCATCTGCAATGGAAGGCGTACCCA-3'
Protein context (NP_001029288.1, residues 461-481): DDLQCKRGEH[Val471Asp]ALANWQNHAS

ClinVar aggregate classification (germline): Uncertain significance. Review status: criteria provided, multiple submitters, no conflicts (2 of 4 stars). 2 submissions from 2 submitters: Uncertain significance (2). Last evaluated 2025-12-04.

Conditions:
Inborn genetic diseases. Identifiers: MedGen C0950123, MeSH D030342.

Allele frequency attached by ClinVar (database versions not stated): ExAC 0.00003.

Submissions (2):

Ambry Genetics
Classification: Uncertain significance for Inborn genetic diseases. Last evaluated: 2025-12-04. Review status: criteria provided, single submitter. Criteria: Ambry Variant Classification Scheme 2023. Collection method: clinical testing. Allele origin: germline.

Labcorp Genetics (formerly Invitae), Labcorp
Classification: Uncertain significance. Last evaluated: 2022-03-11. Review status: criteria provided, single submitter. Criteria: Invitae Variant Classification Sherloc (09022015). Collection method: clinical testing. Allele origin: germline.
Comment: This sequence change replaces valine, which is neutral and non-polar, with aspartic acid, which is acidic and polar, at codon 470 of the EIF2B4 protein (p.Val470Asp). This variant is present in population databases (rs749983780, gnomAD 0.006%). This variant has not been reported in the literature in individuals affected with EIF2B4-related conditions. Algorithms developed to predict the effect of missense changes on protein structure and function (SIFT, PolyPhen-2, Align-GVGD) all suggest that this variant is likely to be tolerated. In summary, the available evidence is currently insufficient to determine the role of this variant in disease. Therefore, it has been classified as a Variant of Uncertain Significance.